The following is an entry in ClinVar:

NM_021830.5(TWNK):c.1478G>C (p.Ser493Thr)

Gene: TWNK (twinkle mtDNA helicase; plus strand). Cytogenetic location: 10q24.31.
Variant type: single nucleotide variant.
Coding change: c.1478G>C on transcript NM_021830.5 (MANE Select); coding-DNA position 1478, G replaced by C.
Protein change: p.Ser493Thr; replaces serine 493 with threonine.
Molecular consequence: missense variant. On other transcripts: non-coding transcript variant (5).
Genome position (GRCh38, 1-based): chr10:100,989,878, G>C. VCF-style: chr10-100989878-G-C. GRCh37 (hg19) VCF-style: chr10-102749635-G-C.
Other names: c.1478G>C, p.Ser493Thr (NM_001163812.2); c.116G>C, p.Ser39Thr (NM_001163813.2, NM_001163814.2, NM_001368275.1); short protein forms S493T, S39T.
Identifiers: ClinVar variation 4704206 (VCV004704206.1).
Genomic context (GRCh38, chr10:100,989,878, plus strand): 5'-ACTGGGCTGACCGCTTTGAGGACCTGCCCCTCTATTTCATGACTTTCCATGGACAGCAAA[G>C]CATCAGGTGAGACTCCCAGATTCCAGCCACCTTGCTTTCCCAGACATATCCCAGCACTCA-3'
Protein context (NP_068602.2, residues 483-503): LYFMTFHGQQ[Ser493Thr]IRTVIDTMQH

ClinVar aggregate classification (germline): Uncertain significance (1 of 4 stars; one submission).

gnomAD v4.1: 4 of 1,614,070 alleles (0.00025%); highest among the groups gnomAD compares: Non-Finnish European, 0.00025%; no homozygotes.

Submission:

Labcorp Genetics (formerly Invitae), Labcorp
Classification: Uncertain significance. Last evaluated: 2025-11-05. Review status: criteria provided, single submitter. Criteria: Invitae Variant Classification Sherloc (09022015). Collection method: clinical testing. Allele origin: germline.
Comment: This sequence change replaces serine, which is neutral and polar, with threonine, which is neutral and polar, at codon 493 of the TWNK protein (p.Ser493Thr). This variant is present in population databases (no rsID available, gnomAD 0.0009%). This variant has not been reported in the literature in individuals affected with TWNK-related conditions. Invitae Evidence Modeling of protein sequence and biophysical properties (such as structural, functional, and spatial information, amino acid conservation, physicochemical variation, residue mobility, and thermodynamic stability) has been performed for this missense variant. However, the output from this modeling did not meet the statistical confidence thresholds required to predict the impact of this variant on TWNK protein function. In summary, the available evidence is currently insufficient to determine the role of this variant in disease. Therefore, it has been classified as a Variant of Uncertain Significance.